The following is an entry in ClinVar:

NM_000552.5(VWF):c.3538+1G>C

Gene: VWF (von Willebrand factor; minus strand). Cytogenetic location: 12p13.31.
Variant type: single nucleotide variant.
Coding change: c.3538+1G>C on transcript NM_000552.5 (MANE Select); the canonical splice donor site of the intron after coding-DNA position 3538, G replaced by C.
Molecular consequence: splice donor variant.
Genome position (GRCh38, 1-based): chr12:6,022,739, C>G on the plus strand (G>C on the coding strand, the complement: VWF is on the minus strand). VCF-style: chr12-6022739-C-G. GRCh37 (hg19) VCF-style: chr12-6131905-C-G.
Identifiers: ClinVar variation 2682243 (VCV002682243.1), dbSNP rs267607331, ClinGen allele CA383511141.

ClinVar aggregate classification (germline): Likely pathogenic (1 of 4 stars; one submission).

Conditions:
Hereditary von Willebrand disease. Identifiers: Orphanet 903, MedGen C5703318, MONDO:0019565. Inheritance: Autosomal recessive or Autosomal dominant.

Submission:

Women's Health and Genetics/Laboratory Corporation of America, LabCorp
Classification: Likely pathogenic for von Willebrand disorder. Last evaluated: 2023-11-03. Review status: criteria provided, single submitter. Criteria: LabCorp Variant Classification Summary - May 2015. Collection method: clinical testing. Allele origin: germline.
Comment: Variant summary: VWF c.3538+1G>C is located in a canonical splice-site and is predicted to affect mRNA splicing resulting in a significantly altered protein due to either exon skipping, shortening, or inclusion of intronic material. Several computational tools predict a significant impact on normal splicing: Four predict the variant abolishes a 5' splicing donor site, and one predicts the variant weakens a cryptic 3' acceptor site. However, these predictions have yet to be confirmed by functional studies. The variant was absent in 53836 control chromosomes. c.3538+1G>C has been reported in the literature in at least one individual affected with type 2M Von Willebrand Disease (e.g. Shen_2016). To our knowledge, no experimental evidence demonstrating an impact on protein function has been reported. The following publication has been ascertained in the context of this evaluation (PMID: 27766062). No submitters have cited clinical-significance assessments for this variant to ClinVar after 2014. Based on the evidence outlined above, the variant was classified as likely pathogenic.

Literature cited by the submitters: PubMed 27766062.